The following is an entry in ClinVar:

ClinVar aggregate classification (germline): Benign (0 of 4 stars; one submission).

Conditions:
KAT2B-related disorder. Also called: KAT2B-related condition.

Submission:

PreventionGenetics, part of Exact Sciences
Classification: Benign for KAT2B-related condition. Last evaluated: 2020-02-05. Review status: no assertion criteria provided. Collection method: clinical testing. Allele origin: germline.
Comment: This variant is classified as benign based on ACMG/AMP sequence variant interpretation guidelines (Richards et al. 2015 PMID: 25741868, with internal and published modifications).

NM_003884.5(KAT2B):c.2306-10dup

Gene: KAT2B (lysine acetyltransferase 2B; plus strand). Cytogenetic location: 3p24.3.
Variant type: Duplication.
Coding change: c.2306-10dup on transcript NM_003884.5 (MANE Select); 10 bases into the intron before coding-DNA position 2306, one base duplicated (T; older notation c.2306-10dupT).
Molecular consequence: intron variant.
Genome position (GRCh38, 1-based): chr3:20,152,322, T duplicated; the last of 9 consecutive T bases (chr3:20,152,314-20,152,322); duplicating any one gives the same sequence. VCF-style (leftmost placement, unchanged base first): chr3-20152313-A-AT. GRCh37 (hg19) VCF-style: chr3-20193805-A-AT.
Identifiers: ClinVar variation 3034031 (VCV003034031.2), dbSNP rs532817681, ClinGen allele CA2284916.
Genomic context (GRCh38, chr3:20,152,313, plus strand): 5'-ATTCCTTTCCCAGTCCCAGTTTTGTCAGCTGGTGTTTAAAGGGAGTCAAAGATTGCTAAT[A>AT]TTTTTTTTTCCTGTGCAGATCTGAAAACCATGAGTGAACGCCTCAAGAATAGGTACTACG-3'